The following is an entry in ClinVar:

NM_004393.6(DAG1):c.1750_1751delinsT (p.Gly584fs)

Gene: DAG1 (dystroglycan 1; plus strand). Cytogenetic location: 3p21.31.
Variant type: Indel.
Coding change: c.1750_1751delinsT on transcript NM_004393.6 (MANE Select); coding-DNA positions 1750 to 1751, GG replaced by T.
Protein change: p.Gly584fs; shifts the reading frame from glycine 584.
Molecular consequence: frameshift variant.
Genome position (GRCh38, 1-based): chr3:49,532,261-49,532,262, GG replaced by T. VCF-style: chr3-49532261-GG-T. GRCh37 (hg19) VCF-style: chr3-49569694-GG-T.
Other names: c.1750_1751delinsT, p.Gly584fs (NM_001177634.3, NM_001177635.3, NM_001177636.3 and 9 more transcripts); short protein forms G584fs.
Identifiers: ClinVar variation 970927 (VCV000970927.7), dbSNP rs2051374109, ClinGen allele CA1139658085.

ClinVar aggregate classification (germline): Uncertain significance (1 of 4 stars; one submission).

Conditions:
Autosomal recessive limb-girdle muscular dystrophy type 2P. Also called: MUSCULAR DYSTROPHY-DYSTROGLYCANOPATHY, LIMB-GIRDLE, DAG1-RELATED; Limb-Girdle Muscular Dystrophy Type 9C; MUSCULAR DYSTROPHY, LIMB-GIRDLE, TYPE 2P. Identifiers: Orphanet 280333, MedGen C4511963, MONDO:0013440, OMIM 613818.
Muscular dystrophy-dystroglycanopathy (congenital with brain and eye anomalies), type A9. Also called: WALKER-WARBURG SYNDROME OR MUSCLE-EYE BRAIN DISEASE, DAG1-RELATED; Muscular dystrophy-dystroglycanopathy (congenital with brain and eye anomalies), type a, 9. Identifiers: Orphanet 370997, Orphanet 899, MedGen C4225291, MONDO:0014683, OMIM 616538.

Submission:

Labcorp Genetics (formerly Invitae), Labcorp
Classification: Uncertain significance for Autosomal recessive limb-girdle muscular dystrophy type 2P; Muscular dystrophy-dystroglycanopathy (congenital with brain and eye anomalies), type A9. Last evaluated: 2022-07-25. Review status: criteria provided, single submitter. Criteria: Invitae Variant Classification Sherloc (09022015). Collection method: clinical testing. Allele origin: germline.
Comment: In summary, the available evidence is currently insufficient to determine the role of this variant in disease. Therefore, it has been classified as a Variant of Uncertain Significance. This variant disrupts a region of the DAG1 protein in which other variant(s) (p.Cys669Phe) have been observed in individuals with DAG1-related conditions (PMID: 24052401). This suggests that this is a clinically significant region of the protein, and that variants that disrupt it are likely to be disease-causing. Experimental studies and prediction algorithms are not available or were not evaluated, and the functional significance of this variant is currently unknown. This variant has not been reported in the literature in individuals affected with DAG1-related conditions. This variant is not present in population databases (gnomAD no frequency). This sequence change creates a premature translational stop signal (p.Gly584Serfs*37) in the DAG1 gene. While this is not anticipated to result in nonsense mediated decay, it is expected to disrupt the last 312 amino acids of the DAG1 protein.

Literature cited by the submitters: PubMed 24052401.